The following is an entry in ClinVar:

NC_000001.10:g.(?_100341994)_(100353684_?)del

Gene: AGL (amylo-alpha-1,6-glucosidase and 4-alpha-glucanotransferase; plus strand). Cytogenetic location: 1p21.2.
Variant type: Deletion.
Identifiers: ClinVar variation 3247633 (VCV003247633.1).

ClinVar aggregate classification (germline): Pathogenic (1 of 4 stars; one submission).

Conditions:
Glycogen storage disease type III (GSD3). Also called: FORBES DISEASE; Cori disease. Identifiers: Orphanet 366, MedGen C0017922, MONDO:0009291, OMIM 232400.

Submission:

Labcorp Genetics (formerly Invitae), Labcorp
Classification: Pathogenic for Glycogen storage disease type III. Last evaluated: 2023-05-02. Review status: criteria provided, single submitter. Criteria: Invitae Variant Classification Sherloc (09022015). Collection method: clinical testing. Allele origin: unknown.
Comment: For these reasons, this variant has been classified as Pathogenic. This variant has not been reported in the literature in individuals affected with AGL-related conditions. This variant is a gross deletion of the genomic region encompassing exon(s) 11-21 of the AGL gene. This deletion is out-of-frame, and is expected to create a premature termination codon and result in an absent or disrupted protein product. Loss-of-function variants in AGL are known to be pathogenic (PMID: 19299494).

Literature cited by the submitters: PubMed 19299494.